The following is an entry in ClinVar:

ClinVar aggregate classification (germline): Uncertain significance (1 of 4 stars; one submission).

Allele frequency attached by ClinVar (database versions not stated): gnomAD exomes below 0.00001.
gnomAD v4.1: 2 of 1,614,248 alleles (0.00012%); highest among the groups gnomAD compares: Middle Eastern, 0.016%; no homozygotes.

Submission:

Labcorp Genetics (formerly Invitae), Labcorp
Classification: Uncertain significance. Last evaluated: 2023-08-11. Review status: criteria provided, single submitter. Criteria: Invitae Variant Classification Sherloc (09022015). Collection method: clinical testing. Allele origin: germline.
Comment: In summary, the available evidence is currently insufficient to determine the role of this variant in disease. Therefore, it has been classified as a Variant of Uncertain Significance. Algorithms developed to predict the effect of sequence changes on RNA splicing suggest that this variant may create or strengthen a splice site. Advanced modeling of protein sequence and biophysical properties (such as structural, functional, and spatial information, amino acid conservation, physicochemical variation, residue mobility, and thermodynamic stability) performed at Invitae indicates that this missense variant is expected to disrupt DUOX2 protein function. This variant has not been reported in the literature in individuals affected with DUOX2-related conditions. This variant is not present in population databases (gnomAD no frequency). This sequence change replaces glycine, which is neutral and non-polar, with aspartic acid, which is acidic and polar, at codon 1236 of the DUOX2 protein (p.Gly1236Asp).

NM_001363711.2(DUOX2):c.3707G>A (p.Gly1236Asp)

Gene: DUOX2 (dual oxidase 2; minus strand). Cytogenetic location: 15q21.1.
Variant type: single nucleotide variant.
Coding change: c.3707G>A on transcript NM_001363711.2 (MANE Select); coding-DNA position 3707, G replaced by A.
Protein change: p.Gly1236Asp; replaces glycine 1236 with aspartic acid.
Molecular consequence: missense variant.
Genome position (GRCh38, 1-based): chr15:45,097,378, C>T on the plus strand (G>A on the coding strand, the complement: DUOX2 is on the minus strand). VCF-style: chr15-45097378-C-T. GRCh37 (hg19) VCF-style: chr15-45389576-C-T.
Other names: c.3707G>A, p.Gly1236Asp (NM_014080.5); short protein forms G1236D.
Identifiers: ClinVar variation 3001702 (VCV003001702.3), dbSNP rs1893932488, ClinGen allele CA392255224.